The following is an entry in ClinVar:

ClinVar aggregate classification (germline): Uncertain significance (1 of 4 stars; one submission).

gnomAD v4.1: 7 of 1,608,316 alleles (0.00044%); highest among the groups gnomAD compares: East Asian, 0.0022%; no homozygotes.

Submission:

GeneDx
Classification: Uncertain significance. Last evaluated: 2023-03-09. Review status: criteria provided, single submitter. Criteria: GeneDx Variant Classification Process June 2021. Collection method: clinical testing. Allele origin: germline. Affected: yes.
Comment: In silico analysis supports that this missense variant has a deleterious effect on protein structure/function; Has not been previously published as pathogenic or benign to our knowledge

NM_012082.4(ZFPM2):c.416C>A (p.Ser139Tyr)

Gene: ZFPM2 (zinc finger protein, FOG family member 2; plus strand). Cytogenetic location: 8q23.1.
Variant type: single nucleotide variant.
Coding change: c.416C>A on transcript NM_012082.4 (MANE Select); coding-DNA position 416, C replaced by A.
Protein change: p.Ser139Tyr; replaces serine 139 with tyrosine.
Molecular consequence: missense variant.
Genome position (GRCh38, 1-based): chr8:105,561,477, C>A. VCF-style: chr8-105561477-C-A. GRCh37 (hg19) VCF-style: chr8-106573705-C-A.
Other names: c.257C>A, p.Ser86Tyr (NM_001362836.2); c.20C>A, p.Ser7Tyr (NM_001362837.2); short protein forms S139Y, S7Y, S86Y.
Identifiers: ClinVar variation 2443579 (VCV002443579.1), dbSNP rs1484648379, ClinGen allele CA372026706.
Genomic context (GRCh38, chr8:105,561,477, plus strand): 5'-AACTTCCAGTGGGAACAACCTGGGGGCCGTTTCCTGGGAAGATGGACTTGAATAATAATT[C>A]TTTGGTATGTGGATATTCCGAGATGGTTAATATTTTGTCATCGACTGTTAGTATTTTGCC-3'
Protein context (NP_036214.2, residues 129-149): FPGKMDLNNN[Ser139Tyr]LKTKAQVPMV